The following is an entry in ClinVar:

NM_000632.4(ITGAM):c.3401A>T (p.Lys1134Met)

Gene: ITGAM (integrin subunit alpha M; plus strand). Cytogenetic location: 16p11.2.
Variant type: single nucleotide variant.
Coding change: c.3401A>T on transcript NM_000632.4 (MANE Select); coding-DNA position 3401, A replaced by T.
Protein change: p.Lys1134Met; replaces lysine 1134 with methionine.
Molecular consequence: missense variant.
Genome position (GRCh38, 1-based): chr16:31,331,649, A>T. VCF-style: chr16-31331649-A-T. GRCh37 (hg19) VCF-style: chr16-31342970-A-T.
Other names: c.3404A>T, p.Lys1135Met (NM_001145808.2); short protein forms K1135M, K1134M.
Identifiers: ClinVar variation 1961920 (VCV001961920.5), dbSNP rs201921030, ClinGen allele CA395708287.

ClinVar aggregate classification (germline): Uncertain significance (1 of 4 stars; one submission).

Submission:

Labcorp Genetics (formerly Invitae), Labcorp
Classification: Uncertain significance. Last evaluated: 2023-11-19. Review status: criteria provided, single submitter. Criteria: Invitae Variant Classification Sherloc (09022015). Collection method: clinical testing. Allele origin: germline.
Comment: This sequence change replaces lysine, which is basic and polar, with methionine, which is neutral and non-polar, at codon 1134 of the ITGAM protein (p.Lys1134Met). This variant is not present in population databases (gnomAD no frequency). This variant has not been reported in the literature in individuals affected with ITGAM-related conditions. ClinVar contains an entry for this variant (Variation ID: 1961920). An algorithm developed to predict the effect of missense changes on protein structure and function (PolyPhen-2) suggests that this variant is likely to be disruptive. In summary, the available evidence is currently insufficient to determine the role of this variant in disease. Therefore, it has been classified as a Variant of Uncertain Significance.